The following is an entry in ClinVar:

NM_003922.4(HERC1):c.10322G>A (p.Gly3441Asp)

Gene: HERC1 (HECT and RLD domain containing E3 ubiquitin protein ligase family member 1; minus strand). Cytogenetic location: 15q22.31.
Variant type: single nucleotide variant.
Coding change: c.10322G>A on transcript NM_003922.4 (MANE Select); coding-DNA position 10322, G replaced by A.
Protein change: p.Gly3441Asp; replaces glycine 3441 with aspartic acid.
Molecular consequence: missense variant.
Genome position (GRCh38, 1-based): chr15:63,652,510, C>T on the plus strand (G>A on the coding strand, the complement: HERC1 is on the minus strand). VCF-style: chr15-63652510-C-T. GRCh37 (hg19) VCF-style: chr15-63944709-C-T.
Other names: c.10322G>A (NM_003922.3); short protein forms G3441D.
Identifiers: ClinVar variation 1954214 (VCV001954214.3), dbSNP rs751428803, ClinGen allele CA7604497.
Genomic context (GRCh38, chr15:63,652,510, plus strand): 5'-TGCTTCTTGGTAACATTCCATACGCGGATGGTGCCATCATTGCCACTTGTAGCCAAAAGA[C>T]CTTTTTTATTACACCAAACACATGTCATTACCTAGAAAAGTTGAAACAGGTAGTCTAATA-3'
Protein context (NP_003913.3, residues 3431-3451): VMTCVWCNKK[Gly3441Asp]LLATSGNDGT

ClinVar aggregate classification (germline): Uncertain significance. Review status: criteria provided, multiple submitters, no conflicts (2 of 4 stars). 2 submissions from 2 submitters: Uncertain significance (2). Last evaluated 2022-08-12.

Conditions:
Inborn genetic diseases. Identifiers: MedGen C0950123, MeSH D030342.

Submissions (2):

Labcorp Genetics (formerly Invitae), Labcorp
Classification: Uncertain significance. Last evaluated: 2022-08-12. Review status: criteria provided, single submitter. Criteria: Invitae Variant Classification Sherloc (09022015). Collection method: clinical testing. Allele origin: germline.
Comment: This sequence change replaces glycine, which is neutral and non-polar, with aspartic acid, which is acidic and polar, at codon 3441 of the HERC1 protein (p.Gly3441Asp). This variant is present in population databases (rs751428803, gnomAD 0.03%). This variant has not been reported in the literature in individuals affected with HERC1-related conditions. Algorithms developed to predict the effect of missense changes on protein structure and function (SIFT, PolyPhen-2, Align-GVGD) all suggest that this variant is likely to be tolerated. Algorithms developed to predict the effect of sequence changes on RNA splicing suggest that this variant may disrupt the consensus splice site. In summary, the available evidence is currently insufficient to determine the role of this variant in disease. Therefore, it has been classified as a Variant of Uncertain Significance.

Ambry Genetics
Classification: Uncertain significance for Inborn genetic diseases. Last evaluated: 2021-04-28. Review status: criteria provided, single submitter. Criteria: Ambry Variant Classification Scheme 2023. Collection method: clinical testing. Allele origin: germline.